The following is an entry in ClinVar:

NM_032447.5(FBN3):c.4821C>T (p.Asp1607=)

Gene: FBN3 (fibrillin 3; minus strand). Cytogenetic location: 19p13.2.
Variant type: single nucleotide variant.
Coding change: c.4821C>T on transcript NM_032447.5 (MANE Select); coding-DNA position 4821, C replaced by T.
Protein change: p.Asp1607=; no amino-acid change (aspartic acid 1607 retained).
Molecular consequence: synonymous variant.
Genome position (GRCh38, 1-based): chr19:8,103,680, G>A on the plus strand (C>T on the coding strand, the complement: FBN3 is on the minus strand). VCF-style: chr19-8103680-G-A. GRCh37 (hg19) VCF-style: chr19-8168564-G-A.
Other names: c.4821C>T, p.Asp1607= (NM_001321431.2); c.4821C>T (NM_001321431.1).
Identifiers: ClinVar variation 2852670 (VCV002852670.5), dbSNP rs145344717, ClinGen allele CA9151892.
Genomic context (GRCh38, chr19:8,103,680, plus strand): 5'-GTTCCCCAGGGTGTTGTAGCAGGTGCCAGGGCCACAGATGCCGGAGTGTGTGGAGCATTC[G>A]TCAATATCTGCAGGGAAAGAAGGGGTGGAGGGGAACAGTGGGCAGCGTCCAGGAATTGTC-3'
Protein context (NP_115823.3, residues 1597-1617): SEHTRICEDI[Asp1607=]ECSTHSGICG

ClinVar aggregate classification (germline): Benign. Review status: criteria provided, single submitter (1 of 4 stars). 2 submissions from 2 submitters: Benign (1). 1 of the submissions does not count toward it. Last evaluated 2025-10-09.

Conditions:
FBN3-related disorder. Also called: FBN3-related condition.

Allele frequency attached by ClinVar (database versions not stated): 1000 Genomes Project 0.00300; 1000 Genomes Project 30x 0.00281.
gnomAD v4.1: 1,572 of 1,612,838 alleles (0.097%); highest among the groups gnomAD compares: South Asian, 1.5%; 26 homozygotes.

Submissions (2):

Labcorp Genetics (formerly Invitae), Labcorp
Classification: Benign. Last evaluated: 2025-10-09. Review status: criteria provided, single submitter. Criteria: Invitae Variant Classification Sherloc (09022015). Collection method: clinical testing. Allele origin: germline.

PreventionGenetics, part of Exact Sciences
Classification: Benign for FBN3-related condition. Last evaluated: 2019-06-27. Review status: no assertion criteria provided. Collection method: clinical testing. Allele origin: germline. Not counted in ClinVar's aggregate classification.
Comment: This variant is classified as benign based on ACMG/AMP sequence variant interpretation guidelines (Richards et al. 2015 PMID: 25741868, with internal and published modifications).